The following is an entry in ClinVar:

ClinVar aggregate classification (germline): Pathogenic (1 of 4 stars; one submission).

Conditions:
Parathyroid carcinoma (PRTC). Also called: CDC73-Related Parathyroid Carcinoma; Parathyroid gland carcinoma. Identifiers: Orphanet 143, MedGen C0687150, MONDO:0012004, OMIM 608266, HP:0006780.

Submission:

Labcorp Genetics (formerly Invitae), Labcorp
Classification: Pathogenic for Parathyroid carcinoma. Last evaluated: 2020-10-28. Review status: criteria provided, single submitter. Criteria: Invitae Variant Classification Sherloc (09022015). Collection method: clinical testing. Allele origin: germline.
Comment: For these reasons, this variant has been classified as Pathogenic. Algorithms developed to predict the effect of sequence changes on RNA splicing suggest that this variant may create or strengthen a splice site, but this prediction has not been confirmed by published transcriptional studies. This variant has not been reported in the literature in individuals with CDC73-related conditions. ClinVar contains an entry for this variant (Variation ID: 967087). This variant is not present in population databases (ExAC no frequency). This sequence change creates a premature translational stop signal (p.Gly22*) in the CDC73 gene. It is expected to result in an absent or disrupted protein product. Loss-of-function variants in CDC73 are known to be pathogenic (PMID: 12434154).

Literature cited by the submitters: PubMed 12434154.

NM_024529.5(CDC73):c.64G>T (p.Gly22Ter)

Gene: CDC73 (cell division cycle 73; plus strand). Cytogenetic location: 1q31.2.
Variant type: single nucleotide variant.
Coding change: c.64G>T on transcript NM_024529.5 (MANE Select); coding-DNA position 64, G replaced by T.
Protein change: p.Gly22Ter; replaces glycine 22 with a stop codon.
Molecular consequence: nonsense.
Genome position (GRCh38, 1-based): chr1:193,122,264, G>T. VCF-style: chr1-193122264-G-T. GRCh37 (hg19) VCF-style: chr1-193091394-G-T.
Other names: short protein forms G22*.
Identifiers: ClinVar variation 967087 (VCV000967087.8), dbSNP rs1675465013, ClinGen allele CA343972863.
Genomic context (GRCh38, chr1:193,122,264, plus strand): 5'-GCGGACGTGCTTAGCGTCCTGCGACAGTACAACATCCAGAAGAAGGAGATTGTGGTGAAG[G>T]GAGACGAAGTGATCTTCGGGGAGTTCTCCTGGCCCAAGAATGTGAAGACCAACTATGTTG-3'